The following is an entry in ClinVar:

ClinVar aggregate classification (germline): Likely benign. Review status: criteria provided, multiple submitters, no conflicts (2 of 4 stars). 2 submissions from 2 submitters: Likely benign (2). Last evaluated 2025-11-24.

Conditions:
Seizures, benign familial infantile, 3 (BFIS3). Also called: Familial neonatal seizures; CONVULSIONS, BENIGN FAMILIAL INFANTILE, 3. Identifiers: Orphanet 140927, Orphanet 306, MedGen C1843140, MONDO:0011904, OMIM 607745.
Developmental and epileptic encephalopathy, 11 (DEE11). Also called: Early infantile epileptic encephalopathy 11. Identifiers: Orphanet 1934, MedGen C3150987, MONDO:0013388, OMIM 613721.

Allele frequency attached by ClinVar (database versions not stated): gnomAD exomes below 0.00001 and 0.00001; ExAC 0.00001; TOPMed 0.00001; gnomAD 0.00003.
gnomAD v4.1: 7 of 1,614,010 alleles (0.00043%); highest among the groups gnomAD compares: African/African-American, 0.0093%; no homozygotes.

Submissions (2):

Labcorp Genetics (formerly Invitae), Labcorp
Classification: Likely benign for Seizures, benign familial infantile, 3; Developmental and epileptic encephalopathy, 11. Last evaluated: 2025-11-24. Review status: criteria provided, single submitter. Criteria: Invitae Variant Classification Sherloc (09022015). Collection method: clinical testing. Allele origin: germline.

GeneDx
Classification: Likely benign. Last evaluated: 2017-07-13. Review status: criteria provided, single submitter. Criteria: GeneDx Variant Classification (06012015). Collection method: clinical testing. Allele origin: germline. Affected: yes.
Comment: This variant is considered likely benign or benign based on one or more of the following criteria: it is a conservative change, it occurs at a poorly conserved position in the protein, it is predicted to be benign by multiple in silico algorithms, and/or has population frequency not consistent with disease.

NM_001040142.2(SCN2A):c.5166T>C (p.Pro1722=)

Gene: SCN2A (sodium voltage-gated channel alpha subunit 2; plus strand). Cytogenetic location: 2q24.3.
Variant type: single nucleotide variant.
Coding change: c.5166T>C on transcript NM_001040142.2 (MANE Select); coding-DNA position 5166, T replaced by C.
Protein change: p.Pro1722=; no amino-acid change (proline 1722 retained).
Molecular consequence: synonymous variant.
Genome position (GRCh38, 1-based): chr2:165,388,972, T>C. VCF-style: chr2-165388972-T-C. GRCh37 (hg19) VCF-style: chr2-166245482-T-C.
Other names: c.5166T>C, p.Pro1722= (NM_001040143.2, NM_001371246.1, NM_001371247.1 and 1 more transcripts).
Identifiers: ClinVar variation 510772 (VCV000510772.6), dbSNP rs760587370, ClinGen allele CA1940370.
Genomic context (GRCh38, chr2:165,388,972, plus strand): 5'-CAGCATGATCTGCCTGTTCCAAATTACAACCTCTGCTGGCTGGGATGGATTGCTAGCACC[T>C]ATTCTTAATAGTGGACCTCCAGACTGTGACCCTGACAAAGATCACCCTGGAAGCTCAGTT-3'
Protein context (NP_001035232.1, residues 1712-1732): TSAGWDGLLA[Pro1722=]ILNSGPPDCD